The following is an entry in ClinVar:

NM_020937.4(FANCM):c.5300A>G (p.Asp1767Gly)

Gene: FANCM (FA complementation group M; plus strand). Cytogenetic location: 14q21.2.
Variant type: single nucleotide variant.
Coding change: c.5300A>G on transcript NM_020937.4 (MANE Select); coding-DNA position 5300, A replaced by G.
Protein change: p.Asp1767Gly; replaces aspartic acid 1767 with glycine.
Molecular consequence: missense variant.
Genome position (GRCh38, 1-based): chr14:45,189,322, A>G. VCF-style: chr14-45189322-A-G. GRCh37 (hg19) VCF-style: chr14-45658525-A-G.
Other names: c.5222A>G, p.Asp1741Gly (NM_001308133.2); short protein forms D1741G, D1767G.
Identifiers: ClinVar variation 4254585 (VCV004254585.1).

ClinVar aggregate classification (germline): Uncertain significance (1 of 4 stars; one submission).

Conditions:
Inborn genetic diseases. Identifiers: MedGen C0950123, MeSH D030342.

Submission:

Ambry Genetics
Classification: Uncertain significance for Inborn genetic diseases. Last evaluated: 2025-07-10. Review status: criteria provided, single submitter. Criteria: Ambry Variant Classification Scheme 2023. Collection method: clinical testing. Allele origin: germline.
Comment: The p.D1767G variant (also known as c.5300A>G), located in coding exon 20 of the FANCM gene, results from an A to G substitution at nucleotide position 5300. The aspartic acid at codon 1767 is replaced by glycine, an amino acid with similar properties. This amino acid position is conserved. In addition, this alteration is predicted to be tolerated by in silico analysis. Based on the available evidence, the clinical significance of this variant remains unclear.